The following is an entry in ClinVar:

ClinVar aggregate classification (germline): Uncertain significance. Review status: criteria provided, multiple submitters, no conflicts (2 of 4 stars). 2 submissions from 2 submitters: Uncertain significance (2). Last evaluated 2025-12-17.

Allele frequency attached by ClinVar (database versions not stated): gnomAD 0.00005 and 0.00007; ExAC 0.00008; ESP Exome Variant Server 0.00008; 1000 Genomes Project 30x 0.00016; 1000 Genomes Project 0.00020.
gnomAD v4.1: 109 of 1,613,824 alleles (0.0068%); highest among the groups gnomAD compares: Middle Eastern, 0.049%; no homozygotes.

Submissions (2):

Labcorp Genetics (formerly Invitae), Labcorp
Classification: Uncertain significance. Last evaluated: 2025-12-17. Review status: criteria provided, single submitter. Criteria: Invitae Variant Classification Sherloc (09022015). Collection method: clinical testing. Allele origin: germline.
Comment: This sequence change replaces alanine, which is neutral and non-polar, with glycine, which is neutral and non-polar, at codon 1331 of the LAMB1 protein (p.Ala1331Gly). This variant is present in population databases (rs201636713, gnomAD 0.01%). This variant has not been reported in the literature in individuals affected with LAMB1-related conditions. ClinVar contains an entry for this variant (Variation ID: 1386885). An algorithm developed to predict the effect of missense changes on protein structure and function (PolyPhen-2) suggests that this variant is likely to be disruptive. In summary, the available evidence is currently insufficient to determine the role of this variant in disease. Therefore, it has been classified as a Variant of Uncertain Significance.

GeneDx
Classification: Uncertain significance. Last evaluated: 2023-05-02. Review status: criteria provided, single submitter. Criteria: GeneDx Variant Classification Process June 2021. Collection method: clinical testing. Allele origin: germline. Affected: yes.
Comment: Not observed at significant frequency in large population cohorts (gnomAD); In silico analysis supports that this missense variant has a deleterious effect on protein structure/function; Observed as heterozygous variant in fetus with congenital lissencephaly in published literature (Abramova and Meshkova 2023); This variant is associated with the following publications: (PMID: 23472759, Abramova2023[casereport])

NM_002291.3(LAMB1):c.3992C>G (p.Ala1331Gly)

Gene: LAMB1 (laminin subunit beta 1; minus strand). Cytogenetic location: 7q31.1.
Variant type: single nucleotide variant.
Coding change: c.3992C>G on transcript NM_002291.3 (MANE Select); coding-DNA position 3992, C replaced by G.
Protein change: p.Ala1331Gly; replaces alanine 1331 with glycine.
Molecular consequence: missense variant.
Genome position (GRCh38, 1-based): chr7:107,935,611, G>C on the plus strand (C>G on the coding strand, the complement: LAMB1 is on the minus strand). VCF-style: chr7-107935611-G-C. GRCh37 (hg19) VCF-style: chr7-107576056-G-C.
Other names: c.3992C>G (NM_002291.2); short protein forms A1331G.
Identifiers: ClinVar variation 1386885 (VCV001386885.7), dbSNP rs201636713, ClinGen allele CA4435174.
Genomic context (GRCh38, chr7:107,935,611, plus strand): 5'-AGGGCTGACTGCTCCACAGTGCTGTTGGGTTCTGTGGTGGAGGCATTCACCCTCTCCTCT[G>C]CCTCAAGAGACATCTGGAAATACTTGGTAATGCTATCCAAGGCACCTAGGGTAGGAAATG-3'
Protein context (NP_002282.2, residues 1321-1341): ITKYFQMSLE[Ala1331Gly]EERVNASTTE